The following is an entry in ClinVar:

ClinVar aggregate classification (germline): Pathogenic (1 of 4 stars; one submission).

Submission:

Labcorp Genetics (formerly Invitae), Labcorp
Classification: Pathogenic. Last evaluated: 2023-07-12. Review status: criteria provided, single submitter. Criteria: Invitae Variant Classification Sherloc (09022015). Collection method: clinical testing. Allele origin: germline.
Comment: Algorithms developed to predict the effect of sequence changes on RNA splicing suggest that this variant may disrupt the consensus splice site. This variant disrupts a region of the TMC1 protein in which other variant(s) (p.Arg389Gln) have been determined to be pathogenic (PMID: 18616530, 26879195). This suggests that this is a clinically significant region of the protein, and that variants that disrupt it are likely to be disease-causing. For these reasons, this variant has been classified as Pathogenic. This variant results in the deletion of part of exon 15 (c.1030-98_1177del) of the TMC1 gene. It is expected to disrupt RNA splicing. Variants that disrupt the donor or acceptor splice site typically lead to a loss of protein function (PMID: 16199547), and loss-of-function variants in TMC1 are known to be pathogenic (PMID: 11850618, 22105175). This variant is not present in population databases (gnomAD no frequency). This variant has not been reported in the literature in individuals affected with TMC1-related conditions.

Literature cited by the submitters: PubMed 18616530; PubMed 26879195; PubMed 16199547; PubMed 11850618; PubMed 22105175.

NM_138691.3(TMC1):c.1030-98_1177del

Gene: TMC1 (transmembrane channel like 1; plus strand). Cytogenetic location: 9q21.13.
Variant type: Deletion.
Coding change: c.1030-98_1177del on transcript NM_138691.3 (MANE Select); 98 bases into the intron before coding-DNA position 1030 through coding-DNA position 1177, 246 bases deleted.
Molecular consequence: splice acceptor variant.
Genome position (GRCh38, 1-based): chr9:72,789,025-72,789,270, 246 bases deleted. GRCh37 (hg19): chr9:75,403,941-75,404,186.
Identifiers: ClinVar variation 2742216 (VCV002742216.3), dbSNP rs2489917857, ClinGen allele CA2697555110.